The following is an entry in ClinVar:

ClinVar aggregate classification (germline): Likely pathogenic. Review status: criteria provided, single submitter (1 of 4 stars). 3 submissions from 3 submitters: Likely pathogenic (1). 2 of the submissions do not count toward it. Last evaluated 2019-07-06.

Conditions:
Renal cysts and diabetes syndrome (RCAD). Also called: MATURITY-ONSET DIABETES OF THE YOUNG, TYPE 5; Familial hypoplastic, glomerulocystic kidney. Identifiers: Orphanet 93111, MedGen C0431693, MONDO:0007669, OMIM 137920.
HNF1B-related disorder. Also called: HNF1B-related condition; HNF1B-related disorders.

Allele frequency attached by ClinVar (database versions not stated): gnomAD exomes 0.00001.
gnomAD v4.1: 14 of 1,559,846 alleles (0.0009%); highest among the groups gnomAD compares: African/African-American, 0.0014%; no homozygotes.

Submissions (3):

Institute of Human Genetics, FAU Erlangen, Friedrich-Alexander-Universität Erlangen-Nürnberg
Classification: Likely pathogenic for Renal cysts and diabetes syndrome. Last evaluated: 2019-07-06. Review status: criteria provided, single submitter. Criteria: ACMG Guidelines, 2015. Collection method: literature only. Allele origin: germline. Affected: yes.
Comment: This variant and it's classification has been reported by Vasileiou et al. 2019; DOI:10.1101/576918. The variants has previously been reported in ClinVar:562392 as "NM_000458.3(HNF1B):c.853G>A (p.Gly285Ser)" with clinical significance Likely pathogenic. It has been re-classified using InterVar and manual curation as Likely pathogenic based on PM1 PM2 PM5 PP1 PP3 PP5.

PreventionGenetics, part of Exact Sciences
Classification: Uncertain significance for HNF1B-related condition. Last evaluated: 2024-08-28. Review status: no assertion criteria provided. Collection method: clinical testing. Allele origin: germline. Not counted in ClinVar's aggregate classification.
Comment: The HNF1B c.853G>A variant is predicted to result in the amino acid substitution p.Gly285Ser. This variant was reported in an individual with congenital or cystic renal disease (Supp. Table 7 in Groopman et al 2019. PubMed ID: 30586318). A different substitution at the same amino acid (p.Gly285Asp) has been reported in an individual with maturity-onset diabetes of the young type 5 (MODY 5) (Bellanne-Chantelot et al. 2005. PubMed ID: 16249435). This variant has not been reported in a large population database, indicating this variant is rare. Although we suspect that this variant may be pathogenic, at this time, the clinical significance of this variant is uncertain due to the absence of conclusive functional and genetic evidence.

Gharavi Laboratory, Columbia University
Classification: Likely pathogenic. Last evaluated: 2018-09-16. Review status: no assertion criteria provided. Criteria: ACMG Guidelines, 2015. Collection method: research. Allele origin: germline. Affected: yes. Not counted in ClinVar's aggregate classification.

Literature cited by the submitters: DOI 10.1101/576918 (cited by Institute of Human Genetics, FAU Erlangen, Friedrich-Alexander-Universität Erlangen-Nürnberg).

NM_000458.4(HNF1B):c.853G>A (p.Gly285Ser)

Gene: HNF1B (HNF1 homeobox B; minus strand). Cytogenetic location: 17q12.
Variant type: single nucleotide variant.
Coding change: c.853G>A on transcript NM_000458.4 (MANE Select); coding-DNA position 853, G replaced by A.
Protein change: p.Gly285Ser; replaces glycine 285 with serine.
Molecular consequence: missense variant.
Genome position (GRCh38, 1-based): chr17:37,731,787, C>T on the plus strand (G>A on the coding strand, the complement: HNF1B is on the minus strand). VCF-style: chr17-37731787-C-T. GRCh37 (hg19) VCF-style: chr17-36091778-C-T.
Other names: c.775G>A, p.Gly259Ser (NM_001165923.4, NM_001304286.2); short protein forms G285S, G259S.
Identifiers: ClinVar variation 562392 (VCV000562392.3), dbSNP rs914046953, ClinGen allele CA290282109.
Genomic context (GRCh38, chr17:37,731,787, plus strand): 5'-TCCTGCGGTTTGCAAACCAGTTGTAGACACGGACCTCAGTGACCAAGTTGGAGCCCAGGC[C>T]GTGGGCTTTGGAGGGGGACACCCCTCGCTGCAAACATTCTGCCCTGGGAATGGATGGAGG-3'
Protein context (NP_000449.1, residues 275-295): QRGVSPSKAH[Gly285Ser]LGSNLVTEVR